The following is an entry in ClinVar:

ClinVar aggregate classification (germline): Uncertain significance (1 of 4 stars; one submission).

Allele frequency attached by ClinVar (database versions not stated): gnomAD exomes 0.00001; ExAC 0.00003.
gnomAD v4.1: 6 of 1,599,398 alleles (0.00038%); highest among the groups gnomAD compares: Admixed American, 0.0068%; no homozygotes.

Submission:

Labcorp Genetics (formerly Invitae), Labcorp
Classification: Uncertain significance. Last evaluated: 2022-06-24. Review status: criteria provided, single submitter. Criteria: Invitae Variant Classification Sherloc (09022015). Collection method: clinical testing. Allele origin: germline.
Comment: This sequence change replaces glycine, which is neutral and non-polar, with arginine, which is basic and polar, at codon 4739 of the PCLO protein (p.Gly4739Arg). In summary, the available evidence is currently insufficient to determine the role of this variant in disease. Therefore, it has been classified as a Variant of Uncertain Significance. Algorithms developed to predict the effect of missense changes on protein structure and function are either unavailable or do not agree on the potential impact of this missense change (SIFT: "Deleterious"; PolyPhen-2: "Not Available"; Align-GVGD: "Class C0"). This variant has not been reported in the literature in individuals affected with PCLO-related conditions. This variant is present in population databases (rs770303985, gnomAD 0.009%).

NM_033026.6(PCLO):c.14215G>C (p.Gly4739Arg)

Gene: PCLO (piccolo presynaptic cytomatrix protein; minus strand). Cytogenetic location: 7q21.11.
Variant type: single nucleotide variant.
Coding change: c.14215G>C on transcript NM_033026.6 (MANE Select); coding-DNA position 14215, G replaced by C.
Protein change: p.Gly4739Arg; replaces glycine 4739 with arginine.
Molecular consequence: missense variant.
Genome position (GRCh38, 1-based): chr7:82,838,225, C>G on the plus strand (G>C on the coding strand, the complement: PCLO is on the minus strand). VCF-style: chr7-82838225-C-G. GRCh37 (hg19) VCF-style: chr7-82467541-C-G.
Other names: c.14215G>C, p.Gly4739Arg (NM_014510.3); short protein forms G4739R.
Identifiers: ClinVar variation 2171734 (VCV002171734.4), dbSNP rs770303985, ClinGen allele CA4318904.
Genomic context (GRCh38, chr7:82,838,225, plus strand): 5'-TACTATACTATTGTTTTAAAGCATGAGATGAAGTACTTCTTAATTTTACTTACCCTCTCC[C>G]TGGAAGAAGGTACACTTTCACAAAAGGGTCAGAATAACCATTGTTGTCTCGAGGAACAAG-3'
Protein context (NP_149015.2, residues 4729-4749): DPFVKVYLLP[Gly4739Arg]RGQVMVVQNA